The following is an entry in ClinVar:

ClinVar aggregate classification (germline): Uncertain significance (1 of 4 stars; one submission).

Conditions:
Familial intrahepatic cholestasis. Identifiers: Orphanet 284385, MedGen CN296401, MONDO:0017290.

Submission:

Genomenon, Inc
Classification: Uncertain significance for Familial intrahepatic cholestasis. Last evaluated: 2026-04-14. Review status: criteria provided, single submitter. Criteria: Genomenon Sequence Variant Interpretation Standards - Updated. Collection method: curation. Allele origin: germline. Affected: no.
Comment: ABCB11 p.Glu15Asp (c.45G>C) is a missense variant that changes the amino acid at residue 15 from Glutamic acid to Aspartic acid. This variant has been reported in the published literature (PMID:37208429). It is absent or not present at a significant frequency in gnomAD. In conclusion, we classify ABCB11 p.Glu15Asp (c.45G>C) as a variant of uncertain significance.

Literature cited by the submitters: PubMed 37208429.

NM_003742.4(ABCB11):c.45G>C (p.Glu15Asp)

Gene: ABCB11 (ATP binding cassette subfamily B member 11; minus strand). Cytogenetic location: 2q31.1.
Variant type: single nucleotide variant.
Coding change: c.45G>C on transcript NM_003742.4 (MANE Select); coding-DNA position 45, G replaced by C.
Protein change: p.Glu15Asp; replaces glutamic acid 15 with aspartic acid.
Molecular consequence: missense variant.
Genome position (GRCh38, 1-based): chr2:169,018,081, C>G on the plus strand (G>C on the coding strand, the complement: ABCB11 is on the minus strand). VCF-style: chr2-169018081-C-G. GRCh37 (hg19) VCF-style: chr2-169874591-C-G.
Other names: short protein forms E15D.
Identifiers: ClinVar variation 4845981 (VCV004845981.1).